The following is an entry in ClinVar:

ClinVar aggregate classification (germline): Pathogenic (1 of 4 stars; one submission).

Allele frequency attached by ClinVar (database versions not stated): TOPMed below 0.00001; ExAC 0.00001; gnomAD exomes 0.00001.

Submission:

Labcorp Genetics (formerly Invitae), Labcorp
Classification: Pathogenic. Last evaluated: 2024-01-19. Review status: criteria provided, single submitter. Criteria: Invitae Variant Classification Sherloc (09022015). Collection method: clinical testing. Allele origin: germline.
Comment: This sequence change creates a premature translational stop signal (p.Gln969*) in the RBP3 gene. It is expected to result in an absent or disrupted protein product. Loss-of-function variants in RBP3 are known to be pathogenic (PMID: 9614228, 23105016, 25766589). This variant is present in population databases (rs782330004, gnomAD 0.003%). This variant has not been reported in the literature in individuals affected with RBP3-related conditions. For these reasons, this variant has been classified as Pathogenic.

Literature cited by the submitters: PubMed 9614228; PubMed 23105016; PubMed 25766589.

NM_002900.3(RBP3):c.2905C>T (p.Gln969Ter)

Gene: RBP3 (retinol binding protein 3; plus strand). Cytogenetic location: 10q11.22.
Variant type: single nucleotide variant.
Coding change: c.2905C>T on transcript NM_002900.3 (MANE Select); coding-DNA position 2905, C replaced by T.
Protein change: p.Gln969Ter; replaces glutamine 969 with a stop codon.
Molecular consequence: nonsense.
Genome position (GRCh38, 1-based): chr10:47,351,389, C>T. VCF-style: chr10-47351389-C-T. GRCh37 (hg19) VCF-style: chr10-48387973-G-A.
Other names: short protein forms Q969*.
Identifiers: ClinVar variation 2981714 (VCV002981714.3), dbSNP rs782330004, ClinGen allele CA5487179.